The following is an entry in ClinVar:

NM_000292.3(PHKA2):c.1168G>A (p.Val390Ile)

Gene: PHKA2 (phosphorylase kinase regulatory subunit alpha 2; minus strand). Cytogenetic location: Xp22.13.
Variant type: single nucleotide variant.
Coding change: c.1168G>A on transcript NM_000292.3 (MANE Select); coding-DNA position 1168, G replaced by A.
Protein change: p.Val390Ile; replaces valine 390 with isoleucine.
Molecular consequence: missense variant.
Genome position (GRCh38, 1-based): chrX:18,931,718, C>T on the plus strand (G>A on the coding strand, the complement: PHKA2 is on the minus strand). VCF-style: chrX-18931718-C-T. GRCh37 (hg19) VCF-style: chrX-18949836-C-T.
Other names: short protein forms V390I.
Identifiers: ClinVar variation 1716783 (VCV001716783.5), dbSNP rs764009151, ClinGen allele CA10361951.

ClinVar aggregate classification (germline): Uncertain significance (1 of 4 stars; one submission).

Conditions:
Glycogen storage disease IXa1. Also called: GLYCOGEN STORAGE DISEASE VIII; GSD VIII; Glycogen storage disease 8; LIVER GLYCOGENOSIS, X-LINKED, TYPE I. Identifiers: Orphanet 264580, MedGen C3694531, MONDO:0010598, OMIM 306000.

Allele frequency attached by ClinVar (database versions not stated): TOPMed below 0.00001.
gnomAD v4.1: 16 of 1,196,426 alleles (0.0013%); highest among the groups gnomAD compares: African/African-American, 0.0017%; no homozygotes.

Submission:

Labcorp Genetics (formerly Invitae), Labcorp
Classification: Uncertain significance for Glycogen storage disease IXa1. Last evaluated: 2022-08-19. Review status: criteria provided, single submitter. Criteria: Invitae Variant Classification Sherloc (09022015). Collection method: clinical testing. Allele origin: germline.
Comment: In summary, the available evidence is currently insufficient to determine the role of this variant in disease. Therefore, it has been classified as a Variant of Uncertain Significance. Algorithms developed to predict the effect of missense changes on protein structure and function are either unavailable or do not agree on the potential impact of this missense change (SIFT: "Tolerated"; PolyPhen-2: "Possibly Damaging"; Align-GVGD: "Class C0"). This variant has not been reported in the literature in individuals affected with PHKA2-related conditions. This variant is present in population databases (rs764009151, gnomAD 0.001%). This sequence change replaces valine, which is neutral and non-polar, with isoleucine, which is neutral and non-polar, at codon 390 of the PHKA2 protein (p.Val390Ile).